The following is an entry in ClinVar:

ClinVar aggregate classification (germline): Uncertain significance (1 of 4 stars; one submission).

Conditions:
Familial thoracic aortic aneurysm and aortic dissection (TAAD). Also called: Thoracic aortic aneurysms and dissections. Identifiers: Orphanet 91387, MedGen C4707243, MONDO:0019625.

Allele frequency attached by ClinVar (database versions not stated): gnomAD exomes below 0.00001; gnomAD 0.00001; TOPMed 0.00001.
gnomAD v4.1: 4 of 1,611,610 alleles (0.00025%); highest among the groups gnomAD compares: African/African-American, 0.0027%; no homozygotes.

Submission:

Ambry Genetics
Classification: Uncertain significance for Familial thoracic aortic aneurysm and aortic dissection. Last evaluated: 2022-11-27. Review status: criteria provided, single submitter. Criteria: Ambry Variant Classification Scheme 2023. Collection method: clinical testing. Allele origin: germline.
Comment: The p.E2267Q variant (also known as c.6799G>C), located in coding exon 34 of the NOTCH1 gene, results from a G to C substitution at nucleotide position 6799. The glutamic acid at codon 2267 is replaced by glutamine, an amino acid with highly similar properties. This amino acid position is conserved. In addition, this alteration is predicted to be tolerated by in silico analysis. Since supporting evidence is limited at this time, the clinical significance of this alteration remains unclear.

NM_017617.5(NOTCH1):c.6799G>C (p.Glu2267Gln)

Gene: NOTCH1 (notch receptor 1; minus strand). Cytogenetic location: 9q34.3.
Variant type: single nucleotide variant.
Coding change: c.6799G>C on transcript NM_017617.5 (MANE Select); coding-DNA position 6799, G replaced by C.
Protein change: p.Glu2267Gln; replaces glutamic acid 2267 with glutamine.
Molecular consequence: missense variant.
Genome position (GRCh38, 1-based): chr9:136,496,940, C>G on the plus strand (G>C on the coding strand, the complement: NOTCH1 is on the minus strand). VCF-style: chr9-136496940-C-G. GRCh37 (hg19) VCF-style: chr9-139391392-C-G.
Other names: short protein forms E2267Q.
Identifiers: ClinVar variation 2452174 (VCV002452174.2), dbSNP rs1426173633, ClinGen allele CA375630254.